The following is an entry in ClinVar:

ClinVar aggregate classification (germline): Uncertain significance (1 of 4 stars; one submission).

Conditions:
Autosomal recessive ataxia, Beauce type. Also called: Spinocerebellar ataxia, autosomal recessive 8; ATAXIA, RECESSIVE, OF BEAUCE; SYNE1-Related Autosomal Recessive Cerebellar Ataxia; SYNE1 Deficiency. Identifiers: Orphanet 88644, MedGen C1853116, MONDO:0012549, OMIM 610743.
Emery-Dreifuss muscular dystrophy 4, autosomal dominant (EDMD4). Also called: EMERY-DREIFUSS MUSCULAR DYSTROPHY 4 WITH VARIABLE FEATURES. Identifiers: Orphanet 261, MedGen C2751807, MONDO:0013071, OMIM 612998.

Allele frequency attached by ClinVar (database versions not stated): TOPMed below 0.00001; ESP Exome Variant Server 0.00008.
gnomAD v4.1: 13 of 1,614,082 alleles (0.00081%); highest among the groups gnomAD compares: South Asian, 0.0033%; no homozygotes.

Submission:

Labcorp Genetics (formerly Invitae), Labcorp
Classification: Uncertain significance for Emery-Dreifuss muscular dystrophy 4, autosomal dominant; Autosomal recessive ataxia, Beauce type. Last evaluated: 2024-01-19. Review status: criteria provided, single submitter. Criteria: Invitae Variant Classification Sherloc (09022015). Collection method: clinical testing. Allele origin: germline.
Comment: This sequence change replaces arginine, which is basic and polar, with cysteine, which is neutral and slightly polar, at codon 2934 of the SYNE1 protein (p.Arg2934Cys). This variant is present in population databases (rs372633466, gnomAD 0.007%). This missense change has been observed in individual(s) with spastic ataxia (PMID: 29482223). ClinVar contains an entry for this variant (Variation ID: 952428). An algorithm developed to predict the effect of missense changes on protein structure and function (PolyPhen-2) suggests that this variant is likely to be tolerated. In summary, the available evidence is currently insufficient to determine the role of this variant in disease. Therefore, it has been classified as a Variant of Uncertain Significance.

Literature cited by the submitters: PubMed 29482223.

NM_182961.4(SYNE1):c.8779C>T (p.Arg2927Cys)

Genes: SYNE1 (spectrin repeat containing nuclear envelope protein 1; minus strand), SYNE1-AS1 (SYNE1 antisense RNA 1; plus strand). Cytogenetic location: 6q25.2.
Variant type: single nucleotide variant.
Coding change: c.8779C>T on transcript NM_182961.4 (MANE Select); coding-DNA position 8779, C replaced by T.
Protein change: p.Arg2927Cys; replaces arginine 2927 with cysteine.
Molecular consequence: missense variant. On other transcripts: non-coding transcript variant (1).
Genome position (GRCh38, 1-based): chr6:152,381,236, G>A on the plus strand (C>T on the coding strand, the complement: SYNE1 is on the minus strand). VCF-style: chr6-152381236-G-A. GRCh37 (hg19) VCF-style: chr6-152702371-G-A.
Other names: c.8800C>T, p.Arg2934Cys (NM_033071.5); short protein forms R2927C, R2934C.
Identifiers: ClinVar variation 952428 (VCV000952428.8), dbSNP rs372633466, ClinGen allele CA4057458.